The following is an entry in ClinVar:

NM_005732.4(RAD50):c.2012C>G (p.Thr671Ser)

Gene: RAD50 (RAD50 double strand break repair protein; plus strand). Cytogenetic location: 5q31.1.
Variant type: single nucleotide variant.
Coding change: c.2012C>G on transcript NM_005732.4 (MANE Select); coding-DNA position 2012, C replaced by G.
Protein change: p.Thr671Ser; replaces threonine 671 with serine.
Molecular consequence: missense variant.
Genome position (GRCh38, 1-based): chr5:132,595,615, C>G. VCF-style: chr5-132595615-C-G. GRCh37 (hg19) VCF-style: chr5-131931307-C-G.
Other names: c.2012C>G (NM_005732.3); short protein forms T671S.
Identifiers: ClinVar variation 2141888 (VCV002141888.5), dbSNP rs769496983, ClinGen allele CA360949361.

ClinVar aggregate classification (germline): Uncertain significance. Review status: criteria provided, multiple submitters, no conflicts (2 of 4 stars). 2 submissions from 2 submitters: Uncertain significance (2). Last evaluated 2025-04-18.

Conditions:
Hereditary cancer-predisposing syndrome. Also called: Neoplastic Syndromes, Hereditary; Tumor predisposition; Hereditary neoplastic syndrome; Hereditary Cancer Syndrome. Identifiers: Orphanet 140162, MedGen C0027672, MeSH D009386, MONDO:0015356.

Submissions (2):

Ambry Genetics
Classification: Uncertain significance for Hereditary cancer-predisposing syndrome. Last evaluated: 2025-04-18. Review status: criteria provided, single submitter. Criteria: Ambry Variant Classification Scheme 2023. Collection method: clinical testing. Allele origin: germline.
Comment: The p.T671S variant (also known as c.2012C>G), located in coding exon 13 of the RAD50 gene, results from a C to G substitution at nucleotide position 2012. The threonine at codon 671 is replaced by serine, an amino acid with similar properties. This amino acid position is conserved. In addition, this alteration is predicted to be tolerated by in silico analysis. Based on the available evidence, the clinical significance of this variant remains unclear.

Labcorp Genetics (formerly Invitae), Labcorp
Classification: Uncertain significance for Hereditary cancer-predisposing syndrome. Last evaluated: 2022-05-14. Review status: criteria provided, single submitter. Criteria: Invitae Variant Classification Sherloc (09022015). Collection method: clinical testing. Allele origin: germline.
Comment: This variant is not present in population databases (gnomAD no frequency). This sequence change replaces threonine, which is neutral and polar, with serine, which is neutral and polar, at codon 671 of the RAD50 protein (p.Thr671Ser). In summary, the available evidence is currently insufficient to determine the role of this variant in disease. Therefore, it has been classified as a Variant of Uncertain Significance. Algorithms developed to predict the effect of missense changes on protein structure and function (SIFT, PolyPhen-2, Align-GVGD) all suggest that this variant is likely to be tolerated. This variant has not been reported in the literature in individuals affected with RAD50-related conditions.